The following is an entry in ClinVar:

NM_014855.3(AP5Z1):c.*765C>G

Gene: AP5Z1 (adaptor related protein complex 5 subunit zeta 1; plus strand). Cytogenetic location: 7p22.1.
Variant type: single nucleotide variant.
Coding change: c.*765C>G on transcript NM_014855.3 (MANE Select); 765 bases downstream of the stop codon, C replaced by G.
Molecular consequence: 3 prime UTR variant. On other transcripts: non-coding transcript variant (1).
Genome position (GRCh38, 1-based): chr7:4,792,150, C>G. VCF-style: chr7-4792150-C-G. GRCh37 (hg19) VCF-style: chr7-4831781-C-G.
Other names: c.*765C>G (NM_001364858.1, LRG_1247t1).
Identifiers: ClinVar variation 360363 (VCV000360363.5), dbSNP rs114829927, ClinGen allele CA10626169.

ClinVar aggregate classification (germline): Likely benign (1 of 4 stars; one submission).

Conditions:
Hereditary spastic paraplegia 48. Also called: SPASTIC PARAPLEGIA 48, AUTOSOMAL RECESSIVE; Spastic paraplegia 48. Identifiers: Orphanet 306511, MedGen C3150901, MONDO:0013342, OMIM 613647.

Allele frequency attached by ClinVar (database versions not stated): 1000 Genomes Project 0.04613; 1000 Genomes Project 30x 0.04950; TOPMed 0.05153.

Submission:

Illumina Laboratory Services, Illumina
Classification: Likely benign for Hereditary spastic paraplegia 48. Last evaluated: 2017-04-27. Review status: criteria provided, single submitter. Criteria: ICSL Variant Classification Criteria 13 December 2019. Collection method: clinical testing. Allele origin: germline.
Comment: This variant was observed as part of a predisposition screen in an ostensibly healthy population. A literature search was performed for the gene, cDNA change, and amino acid change (where applicable). No publications were found based on this search. Allele frequency data from public databases allowed determination this variant is unlikely to cause disease. Therefore, this variant is classified as likely benign.